The following is an entry in ClinVar:

NM_001267550.2(TTN):c.12587C>A (p.Ser4196Ter)

Gene: TTN (titin; minus strand). Cytogenetic location: 2q31.2.
Variant type: single nucleotide variant.
Coding change: c.12587C>A on transcript NM_001267550.2 (MANE Select); coding-DNA position 12587, C replaced by A.
Protein change: p.Ser4196Ter; replaces serine 4196 with a stop codon.
Molecular consequence: nonsense. On other transcripts: intron variant (1).
Genome position (GRCh38, 1-based): chr2:178,740,646, G>T on the plus strand (C>A on the coding strand, the complement: TTN is on the minus strand). VCF-style: chr2-178740646-G-T. GRCh37 (hg19) VCF-style: chr2-179605373-G-T.
Other names: p.Ser3879*; c.11636C>A, p.Ser3879Ter (NM_001256850.1); c.11873C>A, p.Ser3958Ter (NM_133432.3); c.11498C>A, p.Ser3833Ter (NM_003319.4); c.12074C>A, p.Ser4025Ter (NM_133437.4); c.10361-2286C>A (NM_133378.4); c.12587C>A (NM_001267550.1); short protein forms S4196*, S3958*, S3879*, S3833*, S4025*.
Identifiers: ClinVar variation 47827 (VCV000047827.27), dbSNP rs370912401, ClinGen allele CA141989.

ClinVar aggregate classification (germline): Pathogenic/Likely pathogenic. Review status: criteria provided, multiple submitters, no conflicts (2 of 4 stars). 8 submissions from 8 submitters: Pathogenic (3); Likely pathogenic (2). 3 of the submissions do not count toward it. Last evaluated 2026-01-27.

Conditions:
Dilated cardiomyopathy 1G (CMD1G). Identifiers: Orphanet 154, MedGen C1858763, MONDO:0011400, OMIM 604145.
Autosomal recessive limb-girdle muscular dystrophy type 2J (LGMDR10). Also called: MUSCULAR DYSTROPHY, LIMB-GIRDLE, AUTOSOMAL RECESSIVE 10; Limb-girdle muscular dystrophy, type 2J. Identifiers: Orphanet 140922, MedGen C1837342, MONDO:0012127, OMIM 608807.
TTN-related disorder. Also called: TTN-related condition; TTN-related disease; TTN-related disorders.
Cardiovascular phenotype. Identifiers: MedGen CN230736.

Allele frequency attached by ClinVar (database versions not stated): TOPMed 0.00003; ESP Exome Variant Server 0.00008; gnomAD exomes 0.00001; ExAC 0.00002; gnomAD 0.00010.
gnomAD v4.1: 13 of 1,613,638 alleles (0.00081%); highest among the groups gnomAD compares: Non-Finnish European, 0.0011%; no homozygotes.

Submissions (8):

Labcorp Genetics (formerly Invitae), Labcorp
Classification: Pathogenic for Dilated cardiomyopathy 1G; Autosomal recessive limb-girdle muscular dystrophy type 2J. Last evaluated: 2026-01-27. Review status: criteria provided, single submitter. Criteria: Invitae Variant Classification Sherloc (09022015). Collection method: clinical testing. Allele origin: germline.
Comment: This sequence change creates a premature translational stop signal (p.Ser4196*) in the TTN gene. While this is not anticipated to result in nonsense mediated decay, it is expected to create a truncated TTN protein. This variant is present in population databases (rs370912401, gnomAD 0.004%). This premature translational stop signal has been observed in individuals with autosomal dominant dilated cardiomyopathy (PMID: 24503780, 27532257, 30535219, 36264615; internal data). ClinVar contains an entry for this variant (Variation ID: 47827). This variant is located in the I band of TTN (PMID: 25589632). Truncating variants in this region have been reported in individuals affected with autosomal recessive centronuclear myopathy (PMID: 23975875, internal data). Truncating variants in this region have also been identified in individuals affected with autosomal dominant dilated cardiomyopathy and/or cardio-related conditions (PMID: 27869827, 32964742, internal data). For these reasons, this variant has been classified as Pathogenic.

PreventionGenetics, part of Exact Sciences
Classification: Pathogenic for TTN-related condition. Last evaluated: 2026-01-26. Review status: criteria provided, single submitter. Criteria: ACMG Guidelines, 2015. Collection method: clinical testing. Allele origin: germline.
Comment: The TTN c.12587C>A variant is predicted to result in premature protein termination (p.Ser4196*). This variant has been reported in individuals with dilated cardiomyopathy or early onset atrial fibrillation (see for example, reported as c.11873C>A, p.Ser3958* from transcript NM_133432 in Table S3, Pugh et al. 2014. PubMed ID: 24503780; Table S1B, Walsh et al. 2016. PubMed ID: 27532257; eTable 5, Choi et al. 2018. PubMed ID: 30535219; Supplementary Table 4, Bourfiss et al. 2022. PubMed ID: 36264615). This variant is reported in 0.0039% of alleles in individuals of European (Non-Finnish) descent in gnomAD. This variant is located in the TTN protein I-band region. RNAseq studies from heart tissue indicate this exon is commonly included in TTN mRNA transcripts (PSI of 95%-100%, Roberts et al. 2015. PubMed ID: 25589632). TTN loss-of-function variants occurring in constitutively expressed exons (PSI > 90%) are more likely to be disease causing for TTN cardiac-related disorders regardless of band location (Roberts et al. 2015. PubMed ID: 25589632; Schafer et al. 2017 PubMed ID: 27869827; Akhtar et al. 2020. PubMed ID: 32964742). Many cases of recessive TTN-related myopathies in which the individual is compound heterozygous for two loss-of-function variants in TTN have also been reported (Ge et al. 2019. PubMed ID: 31053406; Oates et al. 2018. PubMed ID: 29691892; Rees et al. 2021. PubMed ID: 33449170). In summary, this variant is categorized as pathogenic. Of note, this variant is considered pathogenic for increased risk of TTN-related cardiac disorders, and also for autosomal recessive TTN-related congenital titinopathies.

GeneDx
Classification: Likely pathogenic. Last evaluated: 2025-12-02. Review status: criteria provided, single submitter. Criteria: GeneDx Variant Classification Process June 2021. Collection method: clinical testing. Allele origin: germline. Affected: yes.
Comment: Not observed at significant frequency in large population cohorts (gnomAD); Located in a specific region of the I-band within TTN for which truncating variants are significantly associated with autosomal dominant cardiomyopathy and also with autosomal recessive skeletal myopathies (PMID: 27625338, 27869827, 32778822); This variant is associated with the following publications: (PMID: 27532257, 24503780, 30535219, 34495297, 31983221, 36264615, 37652022, 41166358, 32778822, 27625338, 27869827)

Ambry Genetics
Classification: Likely pathogenic for Cardiovascular phenotype. Last evaluated: 2025-06-13. Review status: criteria provided, single submitter. Criteria: Ambry Variant Classification Scheme 2023. Collection method: clinical testing. Allele origin: germline.
Comment: The p.S3833* variant (also known as c.11498C>A), located in coding exon 44 of the TTN gene, results from a C to A substitution at nucleotide position 11498. This changes the amino acid from a serine to a stop codon within coding exon 44. This exon is located in the I-band region of the N2-B isoform of the titin protein and is constitutively expressed in TTN transcripts (percent spliced in or PSI 100%). This alteration (referred to as c.11873C>A, p.Ser3958X and c.12587C>A p.S4196X) has been reported in an in individual with dilated cardiomyopathy (DCM) (Walsh R et al. Genet Med, 2017 02;19:192-203; Ambry internal data). This variant is expected to result in loss of function by premature protein truncation or nonsense-mediated mRNA decay. While truncating variants in TTN are present in 1-3% of the general population, truncating variants in the A-band are the most common cause of dilated cardiomyopathy (Herman DS et al. N. Engl. J. Med., 2012 Feb;366:619-28; Roberts AM et al. Sci Transl Med, 2015 Jan;7:270ra6). TTN truncating variants encoded in constitutive exons (PSI >90%) have been found to be significantly associated with DCM regardless of their position in titin (Schafer S et al. Nat. Genet., 2017 01;49:46-53; Akhtar MM et al. Circ Heart Fail, 2020 Oct;13:e006832; Massier M et al. Clin Genet, 2025 Jan). As such, this alteration is classified as likely pathogenic.

Mayo Clinic Laboratories, Mayo Clinic
Classification: Pathogenic. Last evaluated: 2025-04-18. Review status: criteria provided, single submitter. Criteria: ACMG Guidelines, 2015. Collection method: clinical testing. Allele origin: germline. Observed: 1 variant allele.
Comment: PM2_supporting, PS4_moderate, PVS1

Genome Diagnostics Laboratory, University Medical Center Utrecht
Classification: Likely pathogenic. Review status: no assertion criteria provided. Collection method: clinical testing. Allele origin: germline. Affected: yes. Study: VKGL Data-share Consensus. Not counted in ClinVar's aggregate classification.

Joint Genome Diagnostic Labs from Nijmegen and Maastricht, Radboudumc and MUMC+
Classification: Likely pathogenic. Review status: no assertion criteria provided. Collection method: clinical testing. Allele origin: germline. Affected: yes. Study: VKGL Data-share Consensus. Not counted in ClinVar's aggregate classification.

Laboratory for Molecular Medicine, Mass General Brigham Personalized Medicine
Classification: Uncertain significance. Last evaluated: 2012-05-23. Review status: flagged submission. Criteria: LMM Criteria. Collection method: clinical testing. Allele origin: germline. Observed: 1 variant allele. Not counted in ClinVar's aggregate classification.
Comment: Variant classified as Uncertain Significance - Favor Pathogenic. The Ser3958X va riant in TTN has been identified in 1/6588 European American chromosomes from a broad population by the NHLBI Exome Sequencing Project (.edu/EVS). This frequency is not high enough to rule out a disease causing role as this individual could have been presymptomatic. This nonsense variant leads t o a premature termination codon at position 3958, which is predicted to lead to a truncated or absent protein. Heterozygous loss of function of the TTN gene is strongly associated with DCM (Herman 2012). Although this data supports that the Ser3958X variant may be pathogenic, this variant has not been detected in isola tion and thus, additional studies are needed to fully assess its clinical signif icance.
ClinVar note: Reason: Older and outlier claim with insufficient supporting evidence

Literature cited by the submitters: PubMed 24503780 (cited by 3 submitters); PubMed 27532257 (cited by 3 submitters); PubMed 30535219 (cited by 3 submitters); PubMed 36264615 (cited by Labcorp Genetics (formerly Invitae), Labcorp and Mayo Clinic Laboratories, Mayo Clinic); PubMed 25589632 (cited by Labcorp Genetics (formerly Invitae), Labcorp and Mayo Clinic Laboratories, Mayo Clinic); PubMed 23975875 (cited by Labcorp Genetics (formerly Invitae), Labcorp); PubMed 27869827 (cited by Labcorp Genetics (formerly Invitae), Labcorp); PubMed 32964742 (cited by Labcorp Genetics (formerly Invitae), Labcorp); PubMed 34495297 (cited by Mayo Clinic Laboratories, Mayo Clinic).